The following is an entry in ClinVar:

NM_024721.5(ZFHX4):c.7578_7579del (p.Pro2527fs)

Gene: ZFHX4 (zinc finger homeobox 4; plus strand). Cytogenetic location: 8q21.13.
Variant type: Microsatellite.
Coding change: c.7578_7579del on transcript NM_024721.5 (MANE Select); coding-DNA positions 7578 to 7579, 2 bases deleted (TC; older notation c.7578_7579delTC).
Protein change: p.Pro2527fs; shifts the reading frame from proline 2527.
Molecular consequence: frameshift variant.
Genome position (GRCh38, 1-based): chr8:76,854,499-76,854,500, TC deleted; deleting any 2 consecutive bases within chr8:76,854,496-76,854,500 gives the same sequence; the c. name uses the placement nearest the transcript's 3' end. VCF-style (leftmost placement, unchanged base first): chr8-76854495-ACT-A. GRCh37 (hg19) VCF-style: chr8-77766731-ACT-A.
Other names: c.7500_7501del, p.Pro2501fs (NM_001410934.1); short protein forms P2501fs, P2527fs.
Identifiers: ClinVar variation 4975321 (VCV004975321.1).

ClinVar aggregate classification (germline): Likely pathogenic (1 of 4 stars; one submission).

Submission:

GeneDx
Classification: Likely pathogenic. Last evaluated: 2026-01-29. Review status: criteria provided, single submitter. Criteria: GeneDx Variant Classification Process June 2021. Collection method: clinical testing. Allele origin: germline.
Comment: Frameshift variant predicted to result in protein truncation or nonsense mediated decay in a gene for which loss of function is a known mechanism of disease; Not observed at significant frequency in large population cohorts (gnomAD); Has not been previously published as pathogenic or benign to our knowledge